The following is an entry in ClinVar:

ClinVar aggregate classification (germline): Pathogenic. Review status: reviewed by expert panel (3 of 4 stars). 7 submissions from 7 submitters: Pathogenic (1). 6 of the submissions do not count toward it. Last evaluated 2016-09-08.

Conditions:
Hereditary cancer-predisposing syndrome. Also called: Tumor predisposition; Neoplastic Syndromes, Hereditary; Hereditary Cancer Syndrome; Hereditary neoplastic syndrome. Identifiers: Orphanet 140162, MedGen C0027672, MeSH D009386, MONDO:0015356.
Hereditary breast ovarian cancer syndrome. Also called: Hereditary breast and ovarian cancer syndrome (HBOC); Hereditary breast and ovarian cancer syndrome; Hereditary breast and ovarian cancer; Hereditary breast and/or ovarian cancer syndrome; Breast and ovarian cancer; BRCA1- and BRCA2-Associated Hereditary Breast and Ovarian Cancer. Identifiers: Orphanet 145, MedGen C0677776, MeSH D061325, MONDO:0003582. Disease mechanism: loss of function.
Breast-ovarian cancer, familial, susceptibility to, 1 (BROVCA1). Also called: OVARIAN CANCER, SUSCEPTIBILITY TO; BRCA1 Hereditary Breast and Ovarian Cancer. Identifiers: Orphanet 145, MedGen C2676676, MONDO:0011450, OMIM 604370. Disease mechanism: loss of function.

Submissions (7):

Evidence-based Network for the Interpretation of Germline Mutant Alleles (ENIGMA)
Classification: Pathogenic for Breast-ovarian cancer, familial, susceptibility to, 1. Last evaluated: 2016-09-08. Review status: reviewed by expert panel. Criteria: ENIGMA BRCA1/2 Classification Criteria (2015). Collection method: curation. Allele origin: germline.
Comment: Variant allele predicted to encode a truncated non-functional protein.

Institute for Biomarker Research, Medical Diagnostic Laboratories, L.L.C.
Classification: Pathogenic for Hereditary breast ovarian cancer syndrome. Last evaluated: 2025-10-14. Review status: criteria provided, single submitter. Criteria: ACMG Guidelines, 2015. Collection method: clinical testing. Allele origin: germline. Not counted in ClinVar's aggregate classification.
Comment: The stop gained NM_007294.4(BRCA1):c.4148C>G (p.Ser1383Ter) has been reported to ClinVar as Pathogenic with a status of (3 stars) reviewed by expert panel (Variation ID 37572 as of 2025-10-02). This variant is predicted to cause loss of normal protein function through protein truncation. This variant is a stop gained variant which occurs in an exon of BRCA1 upstream of where nonsense mediated decay is predicted to occur. This indicates that the region is critical to protein function. The p.Ser1383Ter variant is a loss of function variant in the gene BRCA1, which is intolerant of Loss of Function variants, as indicated by the presence of existing pathogenic loss of function variant NM_007294.4:c.-19-2A>G and 3374 others. For these reasons, this variant has been classified as Pathogenic.

Labcorp Genetics (formerly Invitae), Labcorp
Classification: Pathogenic for Hereditary breast ovarian cancer syndrome. Last evaluated: 2025-08-25. Review status: criteria provided, single submitter. Criteria: Invitae Variant Classification Sherloc (09022015). Collection method: clinical testing. Allele origin: germline. Not counted in ClinVar's aggregate classification.
Comment: This sequence change creates a premature translational stop signal (p.Ser1383*) in the BRCA1 gene. It is expected to result in an absent or disrupted protein product. Loss-of-function variants in BRCA1 are known to be pathogenic (PMID: 20104584). This variant is not present in population databases (gnomAD no frequency). This premature translational stop signal has been observed in individual(s) with breast and ovarian cancer (PMID: 24578176, 26541979). ClinVar contains an entry for this variant (Variation ID: 37572). For these reasons, this variant has been classified as Pathogenic.

Baylor Genetics
Classification: Pathogenic for Breast-ovarian cancer, familial, susceptibility to, 1. Last evaluated: 2023-10-24. Review status: criteria provided, single submitter. Criteria: ACMG Guidelines, 2015. Collection method: clinical testing. Allele origin: unknown. Not counted in ClinVar's aggregate classification.

Ambry Genetics
Classification: Pathogenic for Hereditary cancer-predisposing syndrome. Last evaluated: 2023-03-22. Review status: criteria provided, single submitter. Criteria: Ambry Variant Classification Scheme 2023. Collection method: clinical testing. Allele origin: germline. Not counted in ClinVar's aggregate classification.
Comment: The p.S1383* pathogenic mutation (also known as c.4148C>G), located in coding exon 10 of the BRCA1 gene, results from a C to G substitution at nucleotide position 4148. This changes the amino acid from a serine to a stop codon within coding exon 10. This mutation was previously reported in two Malaysian Chinese breast cancer patients (Kang et al. Breast Cancer Res Treat. 2014; 144(3):635-42). In addition to the clinical data presented in the literature, this alteration is expected to result in loss of function by premature protein truncation or nonsense-mediated mRNA decay. This variant is considered to be rare based on population cohorts in the Genome Aggregation Database (gnomAD). As such, this alteration is interpreted as a disease-causing mutation.

Consortium of Investigators of Modifiers of BRCA1/2 (CIMBA), c/o University of Cambridge
Classification: Pathogenic for Breast-ovarian cancer, familial, susceptibility to, 1. Last evaluated: 2015-10-02. Review status: criteria provided, single submitter. Criteria: CIMBA Mutation Classification guidelines May 2016. Collection method: clinical testing. Allele origin: germline. Not counted in ClinVar's aggregate classification.

Breast Cancer Information Core (BIC) (BRCA1)
Classification: Pathogenic for Breast-ovarian cancer, familial 1. Last evaluated: 2004-02-20. Review status: no assertion criteria provided. Collection method: clinical testing. Allele origin: germline. Affected: yes. Observed: 2 variant alleles. Not counted in ClinVar's aggregate classification.

Literature cited by the submitters: PubMed 20104584 (cited by Labcorp Genetics (formerly Invitae), Labcorp); PubMed 24578176 (cited by Labcorp Genetics (formerly Invitae), Labcorp); PubMed 26541979 (cited by Labcorp Genetics (formerly Invitae), Labcorp).

NM_007294.4(BRCA1):c.4148C>G (p.Ser1383Ter)

Gene: BRCA1 (BRCA1 DNA repair associated; minus strand). Cytogenetic location: 17q21.31.
Variant type: single nucleotide variant.
Coding change: c.4148C>G on transcript NM_007294.4 (MANE Select); coding-DNA position 4148, C replaced by G.
Protein change: p.Ser1383Ter; replaces serine 1383 with a stop codon.
Molecular consequence: nonsense. On other transcripts: non-coding transcript variant (1).
Genome position (GRCh38, 1-based): chr17:43,090,981, G>C on the plus strand (C>G on the coding strand, the complement: BRCA1 is on the minus strand). VCF-style: chr17-43090981-G-C. GRCh37 (hg19) VCF-style: chr17-41242998-G-C.
Other names: c.3884C>G, p.Ser1295Ter (NM_001407925.1, NM_001407926.1, NM_001407927.1 and 9 more transcripts); c.3881C>G, p.Ser1294Ter (NM_001407930.1, NM_001407931.1, NM_001407932.1 and 2 more transcripts); c.4025C>G, p.Ser1342Ter (NM_001407937.1, NM_001407938.1, NM_001407939.1 and 19 more transcripts); c.4022C>G, p.Ser1341Ter (NM_001407940.1, NM_001407941.1, NM_001407649.1 and 11 more transcripts); c.4007C>G, p.Ser1336Ter (NM_001407942.1, NM_001407944.1, NM_001407945.1 and 29 more transcripts); c.4004C>G, p.Ser1335Ter (NM_001407943.1, NM_001407964.1, NM_001407740.1 and 20 more transcripts); c.3815C>G, p.Ser1272Ter (NM_001407946.1, NM_001407947.1, NM_001407948.1 and 6 more transcripts); c.3812C>G, p.Ser1271Ter (NM_001407954.1, NM_001407955.1, NM_001407956.1 and 1 more transcripts); and 41 more; short protein forms S1383*, S1336*, S280*, S1087*, S1356*, S1357*, S171*, S210*.
Identifiers: ClinVar variation 37572 (VCV000037572.21), dbSNP rs80357071, ClinGen allele CA002657.